The following is an entry in ClinVar:

ClinVar aggregate classification (germline): Uncertain significance (1 of 4 stars; one submission).

gnomAD v4.1: 5 of 1,614,022 alleles (0.00031%); highest among the groups gnomAD compares: African/African-American, 0.0013%; no homozygotes.

Submission:

Women's Health and Genetics/Laboratory Corporation of America, LabCorp
Classification: Uncertain significance. Last evaluated: 2025-04-03. Review status: criteria provided, single submitter. Criteria: LabCorp Variant Classification Summary - May 2015. Collection method: clinical testing. Allele origin: germline.
Comment: Variant summary: NSD1 c.949A>G (p.Thr317Ala) results in a non-conservative amino acid change in the encoded protein sequence. Four of five in-silico tools predict a benign effect of the variant on protein function. The variant was absent in 251398 control chromosomes. The available data on variant occurrences in the general population are insufficient to allow any conclusion about variant significance. To our knowledge, no occurrence of c.949A>G in individuals affected with Sotos Syndrome and no experimental evidence demonstrating its impact on protein function have been reported. No submitters have cited clinical-significance assessments for this variant to ClinVar. Based on the evidence outlined above, the variant was classified as uncertain significance.

NM_022455.5(NSD1):c.949A>G (p.Thr317Ala)

Gene: NSD1 (nuclear receptor binding SET domain protein 1; plus strand). Cytogenetic location: 5q35.3.
Variant type: single nucleotide variant.
Coding change: c.949A>G on transcript NM_022455.5 (MANE Select); coding-DNA position 949, A replaced by G.
Protein change: p.Thr317Ala; replaces threonine 317 with alanine.
Molecular consequence: missense variant.
Genome position (GRCh38, 1-based): chr5:177,191,905, A>G. VCF-style: chr5-177191905-A-G. GRCh37 (hg19) VCF-style: chr5-176618906-A-G.
Other names: c.76A>G, p.Thr26Ala (NM_001365684.2, NM_001409305.1, NM_001409306.1 and 4 more transcripts); c.949A>G, p.Thr317Ala (NM_001409301.1, NM_001409302.1, NM_001409303.1); c.529A>G, p.Thr177Ala (NM_001409304.1); short protein forms T177A, T26A, T317A.
Identifiers: ClinVar variation 3896499 (VCV003896499.2).